The following is an entry in ClinVar:

ClinVar aggregate classification (germline): Pathogenic. Review status: criteria provided, multiple submitters, no conflicts (2 of 4 stars). 2 submissions from 2 submitters: Pathogenic (2). Last evaluated 2022-04-22.

Conditions:
Glycogen storage disease, type V (GSD5). Also called: McArdle type glycogen storage disease; MCARDLE DISEASE; MUSCLE GLYCOGEN PHOSPHORYLASE DEFICIENCY; MYOPHOSPHORYLASE DEFICIENCY; PYGM DEFICIENCY. Identifiers: Orphanet 368, MedGen C0017924, MONDO:0009293, OMIM 232600.

Submissions (2):

Molecular Genetics, Royal Melbourne Hospital
Classification: Pathogenic for Glycogen storage disease, type V. Last evaluated: 2022-04-22. Review status: criteria provided, single submitter. Criteria: ACMG Guidelines, 2015. Collection method: clinical testing. Allele origin: germline. Affected: yes.
Comment: This sequence change is a deletion of 1 bp in exon 3 (of 20) of PYGM that is predicted to create a premature termination codon at position 294 in exon 8, p.(Glu125Lysfs*170). This alteration is expected to result in nonsense-mediated decay in a gene where loss of function is a well established mechanism of disease. Based on the classification scheme RMH ACMG Guidelines v1.2.1, this variant is classified as PATHOGENIC. Following criteria are met: PVS1, PM2, PM3_Supporting.

Victorian Clinical Genetics Services, Murdoch Childrens Research Institute
Classification: Pathogenic for Glycogen storage disease, type V. Last evaluated: 2020-10-19. Review status: criteria provided, single submitter. Criteria: ACMG Guidelines, 2015. Collection method: clinical testing. Allele origin: germline. Inheritance: Autosomal recessive inheritance.
Comment: Based on the classification scheme VCGS_Germline_v1.3.3, this variant is classified as Pathogenic. Following criteria are met: 0102 - Loss of function is a known mechanism of disease in this gene and is associated with McArdle disease (MIM#232600). (I) 0106 - This gene is associated with autosomal recessive disease. However, a single family has been reported for an autosomal dominant glycogen storage disorder (PMID: 32386344). (I) 0115 - Variants in this gene are known to have variable expressivity. Some affected individuals have minimal symptoms with essentially no limitations in activities of daily living. This may be attributed to variable physical activity habits (Gene Reviews). (I) 0201 - Variant is predicted to cause nonsense-mediated decay (NMD) and loss of protein (premature termination codon is located at least 54 nucleotides upstream of the final exon-exon junction). (SP) 0251 - This variant is heterozygous. (I) 0301 - Variant is absent from gnomAD (both v2 and v3). (SP) 0701 - Other NMD-predicted variants comparable to the one identified in this case have very strong previous evidence for pathogenicity. Several NMD-predicted variants have been reported in patients with McArdle disease (MIM#232600) (ClinVar). (SP) 0807 - This variant has no previous evidence of pathogenicity. (I) 0905 - No published segregation evidence has been identified for this variant. (I) 1007 - No published functional evidence has been identified for this variant. (I) 1208 - Inheritance information for this variant is not currently available in this individual. (I) Legend: (SP) - Supporting pathogenic, (I) - Information, (SB) - Supporting benign

Literature cited by the submitters: PubMed 32386344 (cited by Victorian Clinical Genetics Services, Murdoch Childrens Research Institute).

NM_005609.4(PYGM):c.373del (p.Glu125fs)

Gene: PYGM (glycogen phosphorylase, muscle associated; minus strand). Cytogenetic location: 11q13.1.
Variant type: Deletion.
Coding change: c.373del on transcript NM_005609.4 (MANE Select); coding-DNA position 373, one base deleted (G; older notation c.373delG).
Protein change: p.Glu125fs; shifts the reading frame from glutamic acid 125.
Molecular consequence: frameshift variant. On other transcripts: intron variant (1).
Genome position (GRCh38, 1-based): chr11:64,758,488, C deleted on the plus strand (G on the coding strand, the reverse complement: PYGM is on the minus strand); the first of 2 consecutive C bases (chr11:64,758,488-64,758,489); deleting either gives the same sequence. VCF-style (leftmost placement, unchanged base first): chr11-64758487-TC-T. GRCh37 (hg19) VCF-style: chr11-64525959-TC-T.
Other names: c.373delG (NM_005609.4); c.244-222del (NM_001164716.1); short protein forms E125fs.
Identifiers: ClinVar variation 1678578 (VCV001678578.3), dbSNP rs2135840482, ClinGen allele CA916084413.